The following is an entry in ClinVar:

ClinVar aggregate classification (germline): Uncertain significance (1 of 4 stars; one submission).

Conditions:
Cardiovascular phenotype. Identifiers: MedGen CN230736.
Hereditary cancer-predisposing syndrome. Also called: Neoplastic Syndromes, Hereditary; Tumor predisposition; Hereditary Cancer Syndrome; Hereditary neoplastic syndrome. Identifiers: Orphanet 140162, MedGen C0027672, MeSH D009386, MONDO:0015356.

Submission:

Ambry Genetics
Classification: Uncertain significance for Cardiovascular phenotype; Hereditary cancer-predisposing syndrome. Last evaluated: 2025-11-07. Review status: criteria provided, single submitter. Criteria: Ambry Variant Classification Scheme 2023. Collection method: clinical testing. Allele origin: germline.
Comment: The p.S327R variant (also known as c.981C>A), located in coding exon 9 of the LZTR1 gene, results from a C to A substitution at nucleotide position 981. The serine at codon 327 is replaced by arginine, an amino acid with dissimilar properties. This amino acid position is conserved. In addition, this alteration is predicted to be tolerated by in silico analysis. Based on the available evidence, the clinical significance of this variant remains unclear.

NM_006767.4(LZTR1):c.981C>A (p.Ser327Arg)

Gene: LZTR1 (leucine zipper like post translational regulator 1; plus strand). Cytogenetic location: 22q11.21.
Variant type: single nucleotide variant.
Coding change: c.981C>A on transcript NM_006767.4 (MANE Select); coding-DNA position 981, C replaced by A.
Protein change: p.Ser327Arg; replaces serine 327 with arginine.
Molecular consequence: missense variant.
Genome position (GRCh38, 1-based): chr22:20,991,817, C>A. VCF-style: chr22-20991817-C-A. GRCh37 (hg19) VCF-style: chr22-21346106-C-A.
Other names: short protein forms S327R.
Identifiers: ClinVar variation 4615651 (VCV004615651.1).